The following is an entry in ClinVar:

ClinVar aggregate classification (germline): Uncertain significance. Review status: criteria provided, multiple submitters, no conflicts (2 of 4 stars). 5 submissions from 5 submitters: Uncertain significance (4). 1 of the submissions does not count toward it. Last evaluated 2025-02-03.

Conditions:
Inborn genetic diseases. Identifiers: MedGen C0950123, MeSH D030342.
Neuronal ceroid lipofuscinosis 2. Also called: TPP1-Related Neuronal Ceroid-Lipofuscinosis; JANSKY-BIELSCHOWSKY DISEASE NEURONAL CEROID LIPOFUSCINOSIS, LATE INFANTILE. Identifiers: Orphanet 168491, Orphanet 228349, Orphanet 79264, MedGen C1876161, MONDO:0008769, OMIM 204500.

Allele frequency attached by ClinVar (database versions not stated): TOPMed 0.00005; ESP Exome Variant Server 0.00008.
gnomAD v4.1: 16 of 1,613,964 alleles (0.00099%); highest among the groups gnomAD compares: Non-Finnish European, 0.0014%; no homozygotes.

Submissions (5):

Labcorp Genetics (formerly Invitae), Labcorp
Classification: Uncertain significance. Last evaluated: 2025-02-03. Review status: criteria provided, single submitter. Criteria: Invitae Variant Classification Sherloc (09022015). Collection method: clinical testing. Allele origin: germline.
Comment: This sequence change replaces proline, which is neutral and non-polar, with alanine, which is neutral and non-polar, at codon 178 of the TPP1 protein (p.Pro178Ala). This variant is present in population databases (rs149986601, gnomAD 0.003%). This variant has not been reported in the literature in individuals affected with TPP1-related conditions. ClinVar contains an entry for this variant (Variation ID: 207552). Invitae Evidence Modeling of protein sequence and biophysical properties (such as structural, functional, and spatial information, amino acid conservation, physicochemical variation, residue mobility, and thermodynamic stability) indicates that this missense variant is not expected to disrupt TPP1 protein function with a negative predictive value of 95%. In summary, the available evidence is currently insufficient to determine the role of this variant in disease. Therefore, it has been classified as a Variant of Uncertain Significance.

Blueprint Genetics
Classification: Uncertain significance. Last evaluated: 2024-10-18. Review status: criteria provided, single submitter. Criteria: ACMG Guidelines, 2015. Collection method: clinical testing. Allele origin: germline.

Ambry Genetics
Classification: Uncertain significance for Inborn genetic diseases. Last evaluated: 2023-06-22. Review status: criteria provided, single submitter. Criteria: Ambry Variant Classification Scheme 2023. Collection method: clinical testing. Allele origin: germline.

GeneDx
Classification: Uncertain significance. Last evaluated: 2016-06-08. Review status: criteria provided, single submitter. Criteria: GeneDx Variant Classification (06012015). Collection method: clinical testing. Allele origin: germline. Affected: yes.
Comment: The P178A variant has not been published as a pathogenic variant, nor has it been reported as a benign variant to our knowledge. It was not observed with any significant frequency in approximately 6,500 individuals of European and African American ancestry in the NHLBI Exome Sequencing Project. The P178A variant is a semi-conservative amino acid substitution, which may impact secondary protein structure as these residues differ in some properties. However, this substitution occurs at a position that is not conserved, and in silico analysis is inconsistent in its predictions as to whether or not the variant is damaging to the protein structure/function. Therefore, based on the currently available information, it is unclear whether this variant is a pathogenic variant or a rare benign variant.

Natera, Inc.
Classification: Uncertain significance for Neuronal ceroid lipofuscinosis 2. Last evaluated: 2020-03-24. Review status: no assertion criteria provided. Collection method: clinical testing. Allele origin: germline. Not counted in ClinVar's aggregate classification.

NM_000391.4(TPP1):c.532C>G (p.Pro178Ala)

Gene: TPP1 (tripeptidyl peptidase 1; minus strand). Cytogenetic location: 11p15.4.
Variant type: single nucleotide variant.
Coding change: c.532C>G on transcript NM_000391.4 (MANE Select); coding-DNA position 532, C replaced by G.
Protein change: p.Pro178Ala; replaces proline 178 with alanine.
Molecular consequence: missense variant.
Genome position (GRCh38, 1-based): chr11:6,617,130, G>C on the plus strand (C>G on the coding strand, the complement: TPP1 is on the minus strand). VCF-style: chr11-6617130-G-C. GRCh37 (hg19) VCF-style: chr11-6638361-G-C.
Other names: p.P178A:CCA>GCA; short protein forms P178A.
Identifiers: ClinVar variation 207552 (VCV000207552.12), dbSNP rs149986601, ClinGen allele CA319134.